The following is an entry in ClinVar:

NC_000012.11:g.(?_44177445)_(44180538_?)del

Gene: IRAK4 (interleukin 1 receptor associated kinase 4; plus strand). Cytogenetic location: 12q12.
Variant type: Deletion.
Identifiers: ClinVar variation 464931 (VCV000464931.10).

ClinVar aggregate classification (germline): Likely pathogenic (1 of 4 stars; one submission).

Conditions:
Immunodeficiency 67. Also called: Immunodeficiency due to interleukin-1 receptor-associated kinase-4 deficiency. Identifiers: Orphanet 70592, MedGen C1843256, MONDO:0011888, OMIM 607676.

Submission:

Labcorp Genetics (formerly Invitae), Labcorp
Classification: Likely pathogenic for Immunodeficiency 67. Last evaluated: 2022-10-17. Review status: criteria provided, single submitter. Criteria: Invitae Variant Classification Sherloc (09022015). Collection method: clinical testing. Allele origin: germline.
Comment: In summary, the currently available evidence indicates that the variant is pathogenic, but additional data are needed to prove that conclusively. Therefore, this variant has been classified as Likely Pathogenic. This deletion eliminates 84 C-terminal amino acid residues of the IRAK4 protein, including a large portion of the kinase domain, which is known to be required for normal IRAK4 protein function (PMID: 24316379). While experimental studies testing the effect of this particular deletion have not been published, it is likely that this deletion would lead to a dysfunctional protein. This variant has not been reported in the literature in individuals affected with IRAK4-related conditions. This variant is a gross deletion of the genomic region encompassing exon(s) 10-12 of the IRAK4 gene, which includes the termination codon. This deletion extends beyond the assayed region for this gene and therefore may encompass additional genes. While this deletion is not anticipated to lead to nonsense mediated decay, it is expected to alter mRNA translation or result in a truncated protein product.

Literature cited by the submitters: PubMed 24316379.